The following is an entry in ClinVar:

NM_001376.5(DYNC1H1):c.2539-165C>T

Gene: DYNC1H1 (dynein cytoplasmic 1 heavy chain 1; plus strand). Cytogenetic location: 14q32.31.
Variant type: single nucleotide variant.
Coding change: c.2539-165C>T on transcript NM_001376.5 (MANE Select); 165 bases into the intron before coding-DNA position 2539, C replaced by T.
Molecular consequence: intron variant.
Genome position (GRCh38, 1-based): chr14:101,987,288, C>T. VCF-style: chr14-101987288-C-T. GRCh37 (hg19) VCF-style: chr14-102453625-C-T.
Identifiers: ClinVar variation 672450 (VCV000672450.1), dbSNP rs17540790, ClinGen allele CA15814354.

ClinVar aggregate classification (germline): Likely benign (1 of 4 stars; one submission).

Allele frequency attached by ClinVar (database versions not stated): 1000 Genomes Project 0.00719; 1000 Genomes Project 30x 0.00765; TOPMed 0.01444; gnomAD 0.01515 and 0.01535.
gnomAD v4.1: 2,304 of 152,294 alleles (1.5%); highest among the groups gnomAD compares: Non-Finnish European, 2.6%; 27 homozygotes.

Submission:

GeneDx
Classification: Likely benign. Last evaluated: 2018-06-14. Review status: criteria provided, single submitter. Criteria: GeneDx Variant Classification (06012015). Collection method: clinical testing. Allele origin: germline. Affected: yes.
Comment: This variant is considered likely benign or benign based on one or more of the following criteria: it is a conservative change, it occurs at a poorly conserved position in the protein, it is predicted to be benign by multiple in silico algorithms, and/or has population frequency not consistent with disease.